The following is an entry in ClinVar:

NM_000079.4(CHRNA1):c.1012G>C (p.Asp338His)

Gene: CHRNA1 (cholinergic receptor nicotinic alpha 1 subunit; minus strand). Cytogenetic location: 2q31.1.
Variant type: single nucleotide variant.
Coding change: c.1012G>C on transcript NM_000079.4 (MANE Select); coding-DNA position 1012, G replaced by C.
Protein change: p.Asp338His; replaces aspartic acid 338 with histidine.
Molecular consequence: missense variant.
Genome position (GRCh38, 1-based): chr2:174,748,810, C>G on the plus strand (G>C on the coding strand, the complement: CHRNA1 is on the minus strand). VCF-style: chr2-174748810-C-G. GRCh37 (hg19) VCF-style: chr2-175613538-C-G.
Other names: c.1087G>C, p.Asp363His (NM_001039523.3); short protein forms D338H, D363H.
Identifiers: ClinVar variation 2199084 (VCV002199084.4), dbSNP rs757178381, ClinGen allele CA1974379.

ClinVar aggregate classification (germline): Uncertain significance (1 of 4 stars; one submission).

Conditions:
Lethal multiple pterygium syndrome (LMPS). Identifiers: Orphanet 33108, MedGen C1854678, MONDO:0009668, OMIM 253290.

Allele frequency attached by ClinVar (database versions not stated): ExAC 0.00001.
gnomAD v4.1: 2 of 1,613,806 alleles (0.00012%); highest among the groups gnomAD compares: Non-Finnish European, 0.00017%; no homozygotes.

Submission:

Labcorp Genetics (formerly Invitae), Labcorp
Classification: Uncertain significance for Lethal multiple pterygium syndrome. Last evaluated: 2024-11-21. Review status: criteria provided, single submitter. Criteria: Invitae Variant Classification Sherloc (09022015). Collection method: clinical testing. Allele origin: germline.
Comment: This sequence change replaces aspartic acid, which is acidic and polar, with histidine, which is basic and polar, at codon 338 of the CHRNA1 protein (p.Asp338His). The frequency data for this variant in the population databases is considered unreliable, as metrics indicate poor data quality at this position in the gnomAD database. This variant has not been reported in the literature in individuals affected with CHRNA1-related conditions. ClinVar contains an entry for this variant (Variation ID: 2199084). Invitae Evidence Modeling of protein sequence and biophysical properties (such as structural, functional, and spatial information, amino acid conservation, physicochemical variation, residue mobility, and thermodynamic stability) indicates that this missense variant is not expected to disrupt CHRNA1 protein function with a negative predictive value of 80%. In summary, the available evidence is currently insufficient to determine the role of this variant in disease. Therefore, it has been classified as a Variant of Uncertain Significance.